The following is an entry in ClinVar:

NM_000359.3(TGM1):c.1990del (p.Ala664fs)

Gene: TGM1 (transglutaminase 1; minus strand). Cytogenetic location: 14q12.
Variant type: Deletion.
Coding change: c.1990del on transcript NM_000359.3 (MANE Select); coding-DNA position 1990, one base deleted (G; older notation c.1990delG).
Protein change: p.Ala664fs; shifts the reading frame from alanine 664.
Molecular consequence: frameshift variant.
Genome position (GRCh38, 1-based): chr14:24,254,762, C deleted on the plus strand (G on the coding strand, the reverse complement: TGM1 is on the minus strand); the first of 5 consecutive C bases (chr14:24,254,762-24,254,766); deleting any one gives the same sequence. VCF-style (leftmost placement, unchanged base first): chr14-24254761-GC-G. GRCh37 (hg19) VCF-style: chr14-24723967-GC-G.
Other names: c.1990delG (NM_000359.2); c.1990del (NM_000359.2); short protein forms A664fs.
Identifiers: ClinVar variation 653711 (VCV000653711.10), dbSNP rs1594567244, ClinGen allele CA915948907.

ClinVar aggregate classification (germline): Likely pathogenic. Review status: criteria provided, multiple submitters, no conflicts (2 of 4 stars). 2 submissions from 2 submitters: Likely pathogenic (2). Last evaluated 2024-08-21.

Conditions:
Autosomal recessive congenital ichthyosis 1 (LI1). Also called: ICHTHYOSIS, CONGENITAL, AUTOSOMAL RECESSIVE 1, WITH BATHING SUIT DISTRIBUTION; ICHTHYOSIS CONGENITA; ICHTHYOSIS CONGENITA II; LAMELLAR EXFOLIATION OF NEWBORN; ICHTHYOSIS, CONGENITAL, AUTOSOMAL RECESSIVE 1, WITH OR WITHOUT BATHING SUIT DISTRIBUTION; COLLODION FETUS. Identifiers: MedGen C4551630, MONDO:0009441, OMIM 242300.

Submissions (2):

Natera, Inc.
Classification: Likely pathogenic for Autosomal recessive congenital ichthyosis type 1. Last evaluated: 2024-08-21. Review status: criteria provided, single submitter. Criteria: Natera Variant Classification Schema (03/2026). Collection method: clinical testing. Allele origin: germline.
Comment: The c.1990del variant in TGM1 is a frameshift variant predicted to shift the reading frame beginning at codon 664 and leads to a stop codon 87 codons downstream. This variant is expected to result in nonsense mediated decay, truncation, or a dysfunctional protein product. This variant is rare in the general population with a frequency below the threshold expected for the associated phenotype(s). Given the available evidence, this variant is classified as Likely Pathogenic.

Labcorp Genetics (formerly Invitae), Labcorp
Classification: Likely pathogenic. Last evaluated: 2021-07-13. Review status: criteria provided, single submitter. Criteria: Invitae Variant Classification Sherloc (09022015). Collection method: clinical testing. Allele origin: germline.
Comment: This sequence change results in a premature translational stop signal in the TGM1 gene (p.Ala664Profs*87). While this is not anticipated to result in nonsense mediated decay, it is expected to disrupt the last 154 amino acids of the TGM1 protein. This variant is not present in population databases (ExAC no frequency). This variant has not been reported in the literature in individuals with TGM1-related disease. Other truncations (p.Ser670*, p.Gln754*, and p.Arg760*) that lie downstream of this variant have been reported in individuals affected with autosomal recessive congenital ichthyosis (PMID: 10914678, 12823447, 23278109). In summary, the currently available evidence indicates that the variant is pathogenic, but additional data are needed to prove that conclusively. Therefore, this variant has been classified as Likely Pathogenic.

Literature cited by the submitters: PubMed 10914678 (cited by Labcorp Genetics (formerly Invitae), Labcorp); PubMed 12823447 (cited by Labcorp Genetics (formerly Invitae), Labcorp); PubMed 23278109 (cited by Labcorp Genetics (formerly Invitae), Labcorp).